The following is an entry in ClinVar:

ClinVar aggregate classification (germline): Uncertain significance (1 of 4 stars; one submission).

Conditions:
Hereditary spastic paraplegia 48. Also called: Spastic paraplegia 48; SPASTIC PARAPLEGIA 48, AUTOSOMAL RECESSIVE. Identifiers: Orphanet 306511, MedGen C3150901, MONDO:0013342, OMIM 613647.

Allele frequency attached by ClinVar (database versions not stated): gnomAD 0.00016; TOPMed 0.00017.

Submission:

Labcorp Genetics (formerly Invitae), Labcorp
Classification: Uncertain significance for Hereditary spastic paraplegia 48. Last evaluated: 2022-07-13. Review status: criteria provided, single submitter. Criteria: Invitae Variant Classification Sherloc (09022015). Collection method: clinical testing. Allele origin: germline.
Comment: This sequence change falls in intron 13 of the AP5Z1 gene. It does not directly change the encoded amino acid sequence of the AP5Z1 protein. This variant is present in population databases (rs755091911, gnomAD 0.05%). This variant has not been reported in the literature in individuals affected with AP5Z1-related conditions. Algorithms developed to predict the effect of sequence changes on RNA splicing suggest that this variant may create or strengthen a splice site. In summary, the available evidence is currently insufficient to determine the role of this variant in disease. Therefore, it has been classified as a Variant of Uncertain Significance.

NM_014855.3(AP5Z1):c.1708-19T>G

Gene: AP5Z1 (adaptor related protein complex 5 subunit zeta 1; plus strand). Cytogenetic location: 7p22.1.
Variant type: single nucleotide variant.
Coding change: c.1708-19T>G on transcript NM_014855.3 (MANE Select); 19 bases into the intron before coding-DNA position 1708, T replaced by G.
Molecular consequence: intron variant.
Genome position (GRCh38, 1-based): chr7:4,789,813, T>G. VCF-style: chr7-4789813-T-G. GRCh37 (hg19) VCF-style: chr7-4829444-T-G.
Other names: c.1240-19T>G (NM_001364858.1).
Identifiers: ClinVar variation 2061542 (VCV002061542.1), dbSNP rs755091911, ClinGen allele CA4137996.